The following is an entry in ClinVar:

ClinVar aggregate classification (germline): Likely benign (1 of 4 stars; one submission).

gnomAD v4.1: 18 of 1,614,110 alleles (0.0011%); highest among the groups gnomAD compares: South Asian, 0.019%; no homozygotes.

Submission:

CeGaT Center for Human Genetics Tuebingen
Classification: Likely benign. Last evaluated: 2025-12-01. Review status: criteria provided, single submitter. Criteria: CeGaT Center For Human Genetics Tuebingen Variant Classification Criteria Version 2. Collection method: clinical testing. Allele origin: germline. Affected: yes. Observed: 1 variant allele.
Comment: DLL1: BP4

NM_005618.4(DLL1):c.858C>T (p.Asn286=)

Gene: DLL1 (delta like canonical Notch ligand 1; minus strand). Cytogenetic location: 6q27.
Variant type: single nucleotide variant.
Coding change: c.858C>T on transcript NM_005618.4 (MANE Select); coding-DNA position 858, C replaced by T.
Protein change: p.Asn286=; no amino-acid change (asparagine 286 retained).
Molecular consequence: synonymous variant.
Genome position (GRCh38, 1-based): chr6:170,285,573, G>A on the plus strand (C>T on the coding strand, the complement: DLL1 is on the minus strand). VCF-style: chr6-170285573-G-A. GRCh37 (hg19) VCF-style: chr6-170594661-G-A.
Identifiers: ClinVar variation 4681575 (VCV004681575.5).